The following is an entry in ClinVar:

NC_000001.11:g.(?_161356677)_(161356840_?)del

Gene: SDHC (succinate dehydrogenase complex subunit C; plus strand). Cytogenetic location: 1q23.3.
Variant type: Deletion.
Identifiers: ClinVar variation 417389 (VCV000417389.1).

ClinVar aggregate classification (germline): Pathogenic (1 of 4 stars; one submission).

Conditions:
Pheochromocytoma/paraganglioma syndrome 3. Also called: GLOMUS TUMORS, FAMILIAL, 3; SDHC-Related Hereditary Paraganglioma-Pheochromocytoma Syndrome (Paragangliomas 3); SDHC-Related Hereditary Paraganglioma-Pheochromocytoma Syndrome; Paragangliomas 3. Identifiers: Orphanet 29072, MedGen C1854336, MONDO:0011544, OMIM 605373.

Submission:

Labcorp Genetics (formerly Invitae), Labcorp
Classification: Pathogenic for Pheochromocytoma/paraganglioma syndrome 3. Last evaluated: 2016-06-26. Review status: criteria provided, single submitter. Criteria: Invitae Variant Classification Sherloc (09022015). Collection method: clinical testing. Allele origin: germline.
Comment: This variant is a gross deletion of the genomic region encompassing exon 5 of the SDHC gene. This creates a premature translational stop signal and is expected to result in an absent or disrupted protein product. Gross deletions in SDHC are known to be pathogenic. This particular truncation has been reported in an individual affected with head and neck paraganglioma (PMID: 19351833). For these reasons, this variant has been classified as Pathogenic.